The following is an entry in ClinVar:

NM_024301.5(FKRP):c.155del (p.Leu52fs)

Gene: FKRP (fukutin related protein; plus strand). Cytogenetic location: 19q13.32.
Variant type: Deletion.
Coding change: c.155del on transcript NM_024301.5 (MANE Select); coding-DNA position 155, one base deleted (T; older notation c.155delT).
Protein change: p.Leu52fs; shifts the reading frame from leucine 52.
Molecular consequence: frameshift variant.
Genome position (GRCh38, 1-based): chr19:46,755,605, T deleted. VCF-style (leftmost placement, unchanged base first): chr19-46755604-CT-C. GRCh37 (hg19) VCF-style: chr19-47258861-CT-C.
Other names: c.155del, p.Leu52fs (NM_001039885.3); c.155delT (NM_024301.5); short protein forms L52fs.
Identifiers: ClinVar variation 4850372 (VCV004850372.1).

ClinVar aggregate classification (germline): Likely pathogenic (1 of 4 stars; one submission).

Conditions:
Muscular dystrophy-dystroglycanopathy type B5 (MDDGB5). Also called: MUSCULAR DYSTROPHY, CONGENITAL, 1C; MUSCULAR DYSTROPHY, CONGENITAL, FKRP-RELATED; MUSCULAR DYSTROPHY-DYSTROGLYCANOPATHY (CONGENITAL WITH OR WITHOUT IMPAIRED INTELLECTUAL DEVELOPMENT), TYPE B, 5. Identifiers: MedGen C1847759, MONDO:0011688, OMIM 606612.
Autosomal recessive limb-girdle muscular dystrophy type 2I. Also called: MUSCULAR DYSTROPHY-DYSTROGLYCANOPATHY, LIMB-GIRDLE, FRKP-RELATED; MUSCULAR DYSTROPHY, LIMB-GIRDLE, TYPE 2I; MUSCULAR DYSTROPHY-DYSTROGLYCANOPATHY (LIMB-GIRDLE), TYPE C, 5. Identifiers: Orphanet 34515, MedGen C1846672, MONDO:0011787, OMIM 607155.
Muscular dystrophy-dystroglycanopathy (congenital with brain and eye anomalies), type A5. Also called: MUSCULAR DYSTROPHY-DYSTROGLYCANOPATHY (CONGENITAL WITH BRAIN AND EYE ANOMALIES), TYPE A, 5; WALKER-WARBURG SYNDROME OR MUSCLE-EYE-BRAIN DISEASE, FKRP-RELATED. Identifiers: Orphanet 588, Orphanet 899, MedGen C3150413, MONDO:0013157, OMIM 613153.

Submission:

First Genomix Gene Laboratory, Genetic Diagnostics Department
Classification: Likely pathogenic for Muscular dystrophy-dystroglycanopathy (congenital with brain and eye anomalies), type A5; Muscular dystrophy-dystroglycanopathy type B5; Autosomal recessive limb-girdle muscular dystrophy type 2I. Last evaluated: 2025-09-16. Review status: criteria provided, single submitter. Criteria: ACMG Guidelines, 2015. Collection method: clinical testing. Allele origin: germline. Inheritance: Autosomal recessive inheritance. Affected: no. Observed: 1 variant allele.